The following is an entry in ClinVar:

NM_000077.5(CDKN2A):c.317T>A (p.Val106Glu)

Gene: CDKN2A (cyclin dependent kinase inhibitor 2A; minus strand). Cytogenetic location: 9p21.3.
Variant type: single nucleotide variant.
Coding change: c.317T>A on transcript NM_000077.5; coding-DNA position 317, T replaced by A.
Protein change: p.Val106Glu; replaces valine 106 with glutamic acid.
Molecular consequence: missense variant (on NM_000077.6). On other transcripts: synonymous variant (1), 3 prime UTR variant (1).
Genome position (GRCh38, 1-based): chr9:21,971,042, A>T on the plus strand (T>A on the coding strand, the complement: CDKN2A is on the minus strand). VCF-style: chr9-21971042-A-T. GRCh37 (hg19) VCF-style: chr9-21971041-A-T.
Other names: c.317T>A, p.Val106Glu (NM_000077.6, NM_001195132.2); c.164T>A, p.Val55Glu (NM_001363763.2); c.360T>A, p.Arg120= (NM_058195.4); c.*240T>A (NM_058197.5); short protein forms V55E, V106E.
Identifiers: ClinVar variation 823098 (VCV000823098.8), dbSNP rs1554654028, ClinGen allele CA373086072.

ClinVar aggregate classification (germline): Uncertain significance. Review status: criteria provided, multiple submitters, no conflicts (2 of 4 stars). 2 submissions from 2 submitters: Uncertain significance (2). Last evaluated 2024-06-18.

Conditions:
Familial melanoma. Also called: Hereditary melanoma; Hereditary cutaneous melanoma. Identifiers: Orphanet 618, MedGen C1512419, MONDO:0018961.
Hereditary cancer-predisposing syndrome. Also called: Neoplastic Syndromes, Hereditary; Tumor predisposition; Hereditary Cancer Syndrome; Hereditary neoplastic syndrome. Identifiers: Orphanet 140162, MedGen C0027672, MeSH D009386, MONDO:0015356.

Submissions (2):

Ambry Genetics
Classification: Uncertain significance for Hereditary cancer-predisposing syndrome. Last evaluated: 2024-06-18. Review status: criteria provided, single submitter. Criteria: Ambry Variant Classification Scheme 2023. Collection method: clinical testing. Allele origin: germline.
Comment: The p.V106E variant (also known as c.317T>A), located in coding exon 2 of the CDKN2A gene, results from a T to A substitution at nucleotide position 317. The valine at codon 106 is replaced by glutamic acid, an amino acid with dissimilar properties. Of note, this alteration is also known as c.360T>A (p.R120R) in the p14(ARF) isoform. This amino acid position is not well conserved in available vertebrate species. In addition, this alteration is predicted to be deleterious by in silico analysis. Based on the available evidence, the clinical significance of this variant remains unclear.

Labcorp Genetics (formerly Invitae), Labcorp
Classification: Uncertain significance for Familial melanoma. Last evaluated: 2022-05-14. Review status: criteria provided, single submitter. Criteria: Invitae Variant Classification Sherloc (09022015). Collection method: clinical testing. Allele origin: germline.
Comment: The CDKN2A gene encodes two different proteins, p16INK4a and p14ARF, which are translated from alternative transcripts with different open reading frames. Both transcripts have been analyzed. We report either the variant with the higher classification or default to the CDKN2A (p16INK4a) variant. This report therefore includes the details for the CDKN2A (p16INK4a) variant. This sequence change replaces valine, which is neutral and non-polar, with glutamic acid, which is acidic and polar, at codon 106 of the CDKN2A (p16INK4a) protein (p.Val106Glu). This variant is not present in population databases (gnomAD no frequency). This variant has not been reported in the literature in individuals affected with CDKN2A (p16INK4a)-related conditions. ClinVar contains an entry for this variant (Variation ID: 823098). Algorithms developed to predict the effect of missense changes on protein structure and function are either unavailable or do not agree on the potential impact of this missense change (SIFT: "Deleterious"; PolyPhen-2: "Possibly Damaging"; Align-GVGD: "Class C15"). In summary, the available evidence is currently insufficient to determine the role of this variant in disease. Therefore, it has been classified as a Variant of Uncertain Significance.